The following is an entry in ClinVar:

NM_020964.3(EPG5):c.5314A>T (p.Lys1772Ter)

Gene: EPG5 (ectopic P-granules 5 autophagy tethering factor; minus strand). Cytogenetic location: 18q12.3.
Variant type: single nucleotide variant.
Coding change: c.5314A>T on transcript NM_020964.3 (MANE Select); coding-DNA position 5314, A replaced by T.
Protein change: p.Lys1772Ter; replaces lysine 1772 with a stop codon.
Molecular consequence: nonsense.
Genome position (GRCh38, 1-based): chr18:45,882,478, T>A on the plus strand (A>T on the coding strand, the complement: EPG5 is on the minus strand). VCF-style: chr18-45882478-T-A. GRCh37 (hg19) VCF-style: chr18-43462443-T-A.
Other names: c.5314A>T, p.Lys1772Ter (NM_001410858.1, NM_001410859.1); short protein forms K1772*.
Identifiers: ClinVar variation 2279111 (VCV002279111.2), dbSNP rs2511593479, ClinGen allele CA402345012.

ClinVar aggregate classification (germline): Pathogenic (1 of 4 stars; one submission).

Conditions:
Inborn genetic diseases. Identifiers: MedGen C0950123, MeSH D030342.

Submission:

Ambry Genetics
Classification: Pathogenic for Inborn genetic diseases. Last evaluated: 2022-06-01. Review status: criteria provided, single submitter. Criteria: Ambry Variant Classification Scheme 2023. Collection method: clinical testing. Allele origin: germline.
Comment: The c.5314A>T (p.K1772*) alteration, located in exon 31 (coding exon 31) of the EPG5 gene, consists of a A to T substitution at nucleotide position 5314. This changes the amino acid from a lysine (K) to a stop codon at amino acid position 1772. This alteration is expected to result in loss of function by premature protein truncation or nonsense-mediated mRNA decay. This variant was not reported in population-based cohorts in the Genome Aggregation Database (gnomAD). Based on the available evidence, this alteration is classified as pathogenic.